The following is an entry in ClinVar:

NM_004380.3(CREBBP):c.6723A>G (p.Pro2241=)

Gene: CREBBP (CREB binding lysine acetyltransferase; minus strand). Cytogenetic location: 16p13.3.
Variant type: single nucleotide variant.
Coding change: c.6723A>G on transcript NM_004380.3 (MANE Select); coding-DNA position 6723, A replaced by G.
Protein change: p.Pro2241=; no amino-acid change (proline 2241 retained).
Molecular consequence: synonymous variant.
Genome position (GRCh38, 1-based): chr16:3,728,324, T>C on the plus strand (A>G on the coding strand, the complement: CREBBP is on the minus strand). VCF-style: chr16-3728324-T-C. GRCh37 (hg19) VCF-style: chr16-3778325-T-C.
Other names: c.6609A>G, p.Pro2203= (NM_001079846.1).
Identifiers: ClinVar variation 706587 (VCV000706587.10), dbSNP rs769325049, ClinGen allele CA7869017.
Genomic context (GRCh38, chr16:3,728,324, plus strand): 5'-CATGGAGCTGCCCTGGAGGGGGAGATGCTGCTGCATGCGCTGCTGCTGCTGCATGGCCGG[T>C]GGGTAGCCTCCGGGTCCTTGAGGCTGCTGGAACTGGCCGTGCCCCGCCATGCCCCCAGCC-3'
Protein context (NP_004371.2, residues 2231-2251): FQQPQGPGGY[Pro2241=]PAMQQQQRMQ

ClinVar aggregate classification (germline): Likely benign. Review status: criteria provided, single submitter (1 of 4 stars). 2 submissions from 2 submitters: Likely benign (1). 1 of the submissions does not count toward it. Last evaluated 2023-10-11.

Conditions:
Rubinstein-Taybi syndrome (RSTS). Identifiers: Orphanet 783, MedGen C0035934, MONDO:0019188.
CREBBP-related disorder. Also called: CREBBP-related disorders; CREBBP-related condition.

Allele frequency attached by ClinVar (database versions not stated): gnomAD 0.00004; TOPMed 0.00004; ExAC 0.00005; gnomAD exomes 0.00006 and 0.00014.
gnomAD v4.1: 208 of 1,612,060 alleles (0.013%); highest among the groups gnomAD compares: Non-Finnish European, 0.017%; no homozygotes.

Submissions (2):

Labcorp Genetics (formerly Invitae), Labcorp
Classification: Likely benign for Rubinstein-Taybi syndrome. Last evaluated: 2023-10-11. Review status: criteria provided, single submitter. Criteria: Invitae Variant Classification Sherloc (09022015). Collection method: clinical testing. Allele origin: germline.

PreventionGenetics, part of Exact Sciences
Classification: Likely benign for CREBBP-related condition. Last evaluated: 2021-08-03. Review status: no assertion criteria provided. Collection method: clinical testing. Allele origin: germline. Not counted in ClinVar's aggregate classification.
Comment: This variant is classified as likely benign based on ACMG/AMP sequence variant interpretation guidelines (Richards et al. 2015 PMID: 25741868, with internal and published modifications).